The following is an entry in ClinVar:

ClinVar aggregate classification (germline): Benign. Review status: criteria provided, multiple submitters, no conflicts (2 of 4 stars). 3 submissions from 3 submitters: Benign (3). Last evaluated 2026-07-01.

Conditions:
Glycogen storage disease, type II (IOPD). Also called: CARDIOMEGALIA GLYCOGENICA DIFFUSA; GLYCOGENOSIS, GENERALIZED, CARDIAC FORM; GSD II; Glycogen storage disease type 2; Acid maltase deficiency disease; Aglucosidase alfa. Identifiers: Orphanet 365, MedGen C0017921, MONDO:0009290, OMIM 232300.

Allele frequency attached by ClinVar (database versions not stated): 1000 Genomes Project 30x 0.60119; 1000 Genomes Project 0.60284; TOPMed 0.63781; gnomAD 0.65713 and 0.65715; gnomAD exomes 0.70322.
gnomAD v4.1: 754,190 of 1,082,530 alleles (70%); highest among the groups gnomAD compares: Middle Eastern, 79%; 266,627 homozygotes.

Submissions (3):

Genomenon, Inc
Classification: Benign for Glycogen storage disease, type II. Last evaluated: 2026-07-01. Review status: criteria provided, single submitter. Criteria: Genomenon Sequence Variant Interpretation Standards - Updated. Collection method: curation. Allele origin: germline. Affected: no.
Comment: GAA c.692+144A>G is an intronic variant located in intron 3. This variant is present at high allele frequency in population databases. We classify GAA c.692+144A>G as a benign variant.

GeneDx
Classification: Benign. Last evaluated: 2018-06-23. Review status: criteria provided, single submitter. Criteria: GeneDx Variant Classification Process June 2021. Collection method: clinical testing. Allele origin: germline. Affected: yes.

Breakthrough Genomics
Classification: Benign. Review status: criteria provided, single submitter. Criteria: ACMG Guidelines, 2015. Collection method: not provided. Allele origin: germline. Inheritance: Autosomal recessive inheritance. Affected: yes.

NM_000152.5(GAA):c.692+144A>G

Gene: GAA (alpha glucosidase; plus strand). Cytogenetic location: 17q25.3.
Variant type: single nucleotide variant.
Coding change: c.692+144A>G on transcript NM_000152.5 (MANE Select); 144 bases into the intron after coding-DNA position 692, A replaced by G.
Molecular consequence: intron variant.
Genome position (GRCh38, 1-based): chr17:80,106,038, A>G. VCF-style: chr17-80106038-A-G. GRCh37 (hg19) VCF-style: chr17-78079837-A-G.
Other names: c.692+144A>G (NM_001079803.3, NM_001079804.3).
Identifiers: ClinVar variation 1294370 (VCV001294370.4), dbSNP rs2304847, ClinGen allele CA14499602.